The following is an entry in ClinVar:

NM_001127198.5(TMC6):c.94G>A (p.Asp32Asn)

Gene: TMC6 (transmembrane channel like 6; minus strand). Cytogenetic location: 17q25.3.
Variant type: single nucleotide variant.
Coding change: c.94G>A on transcript NM_001127198.5 (MANE Select); coding-DNA position 94, G replaced by A.
Protein change: p.Asp32Asn; replaces aspartic acid 32 with asparagine.
Molecular consequence: missense variant. On other transcripts: non-coding transcript variant (4).
Genome position (GRCh38, 1-based): chr17:78,126,611, C>T on the plus strand (G>A on the coding strand, the complement: TMC6 is on the minus strand). VCF-style: chr17-78126611-C-T. GRCh37 (hg19) VCF-style: chr17-76122692-C-T.
Other names: c.94G>A, p.Asp32Asn (NM_001321185.1, NM_001374593.1, NM_001374594.1 and 4 more transcripts); short protein forms D32N.
Identifiers: ClinVar variation 665572 (VCV000665572.7), dbSNP rs139636418, ClinGen allele CA8796255.
Genomic context (GRCh38, chr17:78,126,611, plus strand): 5'-GCTCCAGCCCCTCCTGGGCCGTGCACTGGCTCTGCTCCTGGATGAGCTGCTGGAAGGAGT[C>T]GTGCACTTCGCTTTCATCATAGGGGCTGGGGCCCTGGCTGCAGAGGGGGTTGGCGGGGGG-3'
Protein context (NP_001120670.1, residues 22-42): PSPYDESEVH[Asp32Asn]SFQQLIQEQS

ClinVar aggregate classification (germline): Uncertain significance (1 of 4 stars; one submission).

Conditions:
Epidermodysplasia verruciformis. Identifiers: Orphanet 302, MedGen C0014522, MONDO:0009176.

Allele frequency attached by ClinVar (database versions not stated): gnomAD 0.00002 and 0.00003; gnomAD exomes 0.00004; TOPMed 0.00004; ExAC 0.00005; ESP Exome Variant Server 0.00023.

Submission:

Labcorp Genetics (formerly Invitae), Labcorp
Classification: Uncertain significance for Epidermodysplasia verruciformis. Last evaluated: 2023-05-22. Review status: criteria provided, single submitter. Criteria: Invitae Variant Classification Sherloc (09022015). Collection method: clinical testing. Allele origin: germline.
Comment: This sequence change replaces aspartic acid, which is acidic and polar, with asparagine, which is neutral and polar, at codon 32 of the TMC6 protein (p.Asp32Asn). This variant is present in population databases (rs139636418, gnomAD 0.01%). This variant has not been reported in the literature in individuals affected with TMC6-related conditions. ClinVar contains an entry for this variant (Variation ID: 665572). Algorithms developed to predict the effect of missense changes on protein structure and function output the following: SIFT: "Not Available"; PolyPhen-2: "Benign"; Align-GVGD: "Not Available". The asparagine amino acid residue is found in multiple mammalian species, which suggests that this missense change does not adversely affect protein function. In summary, the available evidence is currently insufficient to determine the role of this variant in disease. Therefore, it has been classified as a Variant of Uncertain Significance.